The following is an entry in ClinVar:

NM_018076.5(ODAD2):c.976C>G (p.Gln326Glu)

Gene: ODAD2 (outer dynein arm docking complex subunit 2; minus strand). Cytogenetic location: 10p12.1.
Variant type: single nucleotide variant.
Coding change: c.976C>G on transcript NM_018076.5 (MANE Select); coding-DNA position 976, C replaced by G.
Protein change: p.Gln326Glu; replaces glutamine 326 with glutamic acid.
Molecular consequence: missense variant. On other transcripts: intron variant (1).
Genome position (GRCh38, 1-based): chr10:27,971,274, G>C on the plus strand (C>G on the coding strand, the complement: ODAD2 is on the minus strand). VCF-style: chr10-27971274-G-C. GRCh37 (hg19) VCF-style: chr10-28260203-G-C.
Other names: c.976C>G, p.Gln326Glu (NM_001290020.2); c.52C>G, p.Gln18Glu (NM_001312689.2); c.-187-9559C>G (NM_001290021.2); short protein forms Q18E, Q326E.
Identifiers: ClinVar variation 1010662 (VCV001010662.9), dbSNP rs1032612529, ClinGen allele CA204526367.

ClinVar aggregate classification (germline): Uncertain significance (1 of 4 stars; one submission).

Conditions:
Primary ciliary dyskinesia 23 (CILD23). Also called: CILIARY DYSKINESIA, PRIMARY, 23, WITH OR WITHOUT SITUS INVERSUS. Identifiers: Orphanet 244, MedGen C3809548, MONDO:0014193, OMIM 615451.

Allele frequency attached by ClinVar (database versions not stated): gnomAD exomes below 0.00001; TOPMed 0.00002.
gnomAD v4.1: 4 of 1,612,362 alleles (0.00025%); highest among the groups gnomAD compares: African/African-American, 0.0013%; no homozygotes.

Submission:

Labcorp Genetics (formerly Invitae), Labcorp
Classification: Uncertain significance for Primary ciliary dyskinesia 23. Last evaluated: 2020-07-08. Review status: criteria provided, single submitter. Criteria: Invitae Variant Classification Sherloc (09022015). Collection method: clinical testing. Allele origin: germline.
Comment: This sequence change replaces glutamine with glutamic acid at codon 326 of the ARMC4 protein (p.Gln326Glu). The glutamine residue is weakly conserved and there is a small physicochemical difference between glutamine and glutamic acid. This variant is not present in population databases (ExAC no frequency). This variant has not been reported in the literature in individuals with ARMC4-related conditions. Algorithms developed to predict the effect of missense changes on protein structure and function output the following: SIFT: "Tolerated"; PolyPhen-2: "Benign"; Align-GVGD: "Class C0". The glutamic acid amino acid residue is found in multiple mammalian species, suggesting that this missense change does not adversely affect protein function. These predictions have not been confirmed by published functional studies and their clinical significance is uncertain. In summary, the available evidence is currently insufficient to determine the role of this variant in disease. Therefore, it has been classified as a Variant of Uncertain Significance.